The following is an entry in ClinVar:

ClinVar aggregate classification (germline): Uncertain significance. Review status: criteria provided, multiple submitters, no conflicts (2 of 4 stars). 2 submissions from 2 submitters: Uncertain significance (2). Last evaluated 2021-01-13.

Allele frequency attached by ClinVar (database versions not stated): gnomAD exomes below 0.00001 and 0.00001; ExAC 0.00001; TOPMed 0.00001.
gnomAD v4.1: 20 of 1,614,174 alleles (0.0012%); highest among the groups gnomAD compares: Non-Finnish European, 0.0017%; no homozygotes.

Submissions (2):

Ambry Genetics
Classification: Uncertain significance. Last evaluated: 2021-01-13. Review status: criteria provided, single submitter. Criteria: Ambry Variant Classification Scheme 2023. Collection method: clinical testing. Allele origin: germline.
Comment: The p.G107S variant (also known as c.319G>A), located in coding exon 4 of the MARS gene, results from a G to A substitution at nucleotide position 319. The glycine at codon 107 is replaced by serine, an amino acid with similar properties. This amino acid position is highly conserved in available vertebrate species. In addition, the in silico prediction for this alteration is inconclusive. Since supporting evidence is limited at this time, the clinical significance of this alteration remains unclear.

GeneDx
Classification: Uncertain significance. Last evaluated: 2019-10-06. Review status: criteria provided, single submitter. Criteria: GeneDx Variant Classification Process June 2021. Collection method: clinical testing. Allele origin: germline. Affected: yes.
Comment: Not observed at a significant frequency in large population cohorts (Lek et al., 2016); In silico analysis, which includes protein predictors and evolutionary conservation, supports that this variant does not alter protein structure/function; Has not been previously published as pathogenic or benign to our knowledge

NM_004990.4(MARS1):c.319G>A (p.Gly107Ser)

Gene: MARS1 (methionyl-tRNA synthetase 1; plus strand). Cytogenetic location: 12q13.3.
Variant type: single nucleotide variant.
Coding change: c.319G>A on transcript NM_004990.4 (MANE Select); coding-DNA position 319, G replaced by A.
Protein change: p.Gly107Ser; replaces glycine 107 with serine.
Molecular consequence: missense variant.
Genome position (GRCh38, 1-based): chr12:57,489,463, G>A. VCF-style: chr12-57489463-G-A. GRCh37 (hg19) VCF-style: chr12-57883246-G-A.
Other names: short protein forms G107S.
Identifiers: ClinVar variation 1308995 (VCV001308995.4), dbSNP rs771299467, ClinGen allele CA6650134.